The following is an entry in ClinVar:

ClinVar aggregate classification (germline): Likely pathogenic (1 of 4 stars; one submission).

Conditions:
Glycogen storage disease, type VII (GSD7). Also called: GSD VII; MUSCLE PHOSPHOFRUCTOKINASE DEFICIENCY; PFKM DEFICIENCY; TARUI DISEASE. Identifiers: Orphanet 371, MedGen C0017926, MONDO:0009295, OMIM 232800.

gnomAD v4.1: 1 of 1,614,162 alleles (0.000062%); highest among the groups gnomAD compares: Non-Finnish European, 0.000085%; no homozygotes.

Submission:

Myriad Genetics, Inc.
Classification: Likely pathogenic for Glycogen storage disease, type VII. Last evaluated: 2022-03-06. Review status: criteria provided, single submitter. Criteria: Myriad Women's Health Autosomal Recessive and X-Linked Classification Criteria (2021). Collection method: clinical testing. Allele origin: unknown.
Comment: NM_001166686.1(PFKM):c.1412C>A(S471*) is expected to be pathogenic in the context of glycogen storage disease type VII. This variant is predicted to lead to an abnormal or absent protein product due to the creation of a premature termination codon in PFKM, a gene where loss-of-function variants are known to be pathogenic. Please note: this variant was assessed in the context of healthy population screening.

NM_000289.6(PFKM):c.1199C>A (p.Ser400Ter)

Gene: PFKM (phosphofructokinase, muscle; plus strand). Cytogenetic location: 12q13.11.
Variant type: single nucleotide variant.
Coding change: c.1199C>A on transcript NM_000289.6 (MANE Select); coding-DNA position 1199, C replaced by A.
Protein change: p.Ser400Ter; replaces serine 400 with a stop codon.
Molecular consequence: nonsense. On other transcripts: non-coding transcript variant (6).
Genome position (GRCh38, 1-based): chr12:48,140,729, C>A. VCF-style: chr12-48140729-C-A. GRCh37 (hg19) VCF-style: chr12-48534512-C-A.
Other names: c.1412C>A, p.Ser471Ter (NM_001166686.2, NM_001354737.1, NM_001354738.1 and 1 more transcripts); c.1199C>A, p.Ser400Ter (NM_001166687.2, NM_001166688.2, NM_001354742.2 and 2 more transcripts); c.1508C>A, p.Ser503Ter (NM_001354735.1, NM_001354736.1); c.1343C>A, p.Ser448Ter (NM_001354740.1); c.1223C>A, p.Ser408Ter (NM_001354741.2); c.1112C>A, p.Ser371Ter (NM_001354745.2); c.1073C>A, p.Ser358Ter (NM_001354746.2); c.1049C>A, p.Ser350Ter (NM_001354747.2, NM_001354748.2); and 1 more; short protein forms S350*, S358*, S369*, S371*, S400*, S408*, S448*, S471*.
Identifiers: ClinVar variation 1725043 (VCV001725043.2), dbSNP rs773001987, ClinGen allele CA384550363.